The following is an entry in ClinVar:

NM_020163.3(SEMA3G):c.1879-3C>T

Gene: SEMA3G (semaphorin 3G; minus strand). Cytogenetic location: 3p21.1.
Variant type: single nucleotide variant.
Coding change: c.1879-3C>T on transcript NM_020163.3 (MANE Select); 3 bases into the intron before coding-DNA position 1879, C replaced by T.
Molecular consequence: intron variant.
Genome position (GRCh38, 1-based): chr3:52,436,076, G>A on the plus strand (C>T on the coding strand, the complement: SEMA3G is on the minus strand). VCF-style: chr3-52436076-G-A. GRCh37 (hg19) VCF-style: chr3-52470092-G-A.
Identifiers: ClinVar variation 4989760 (VCV004989760.1).

ClinVar aggregate classification (germline): Likely benign (1 of 4 stars; one submission).

Conditions:
SEMA3G-related disorder. Also called: SEMA3G-related condition.

Submission:

PreventionGenetics, part of Exact Sciences
Classification: Likely benign for SEMA3G-related condition. Last evaluated: 2026-06-30. Review status: criteria provided, single submitter. Criteria: ACMG Guidelines, 2015. Collection method: clinical testing. Allele origin: germline.
Comment: This variant is classified as likely benign based on ACMG/AMP sequence variant interpretation guidelines (Richards et al. 2015 PMID: 25741868, with internal and published modifications).